The following is an entry in ClinVar:

NM_001267550.2(TTN):c.16556C>T (p.Thr5519Met)

Gene: TTN (titin; minus strand). Cytogenetic location: 2q31.2.
Variant type: single nucleotide variant.
Coding change: c.16556C>T on transcript NM_001267550.2 (MANE Select); coding-DNA position 16556, C replaced by T.
Protein change: p.Thr5519Met; replaces threonine 5519 with methionine.
Molecular consequence: missense variant. On other transcripts: intron variant (3).
Genome position (GRCh38, 1-based): chr2:178,732,505, G>A on the plus strand (C>T on the coding strand, the complement: TTN is on the minus strand). VCF-style: chr2-178732505-G-A. GRCh37 (hg19) VCF-style: chr2-179597232-G-A.
Other names: c.13858+5577C>T (NM_133437.4); c.13657+5577C>T (NM_133432.3); c.15605C>T, p.Thr5202Met (NM_001256850.1); c.12824C>T, p.Thr4275Met (NM_133378.4); c.13282+5577C>T (NM_003319.4); short protein forms T4275M, T5202M, T5519M.
Identifiers: ClinVar variation 2437967 (VCV002437967.4), dbSNP rs1048810880, ClinGen allele CA60979647.

ClinVar aggregate classification (germline): Uncertain significance. Review status: criteria provided, multiple submitters, no conflicts (2 of 4 stars). 2 submissions from 2 submitters: Uncertain significance (2). Last evaluated 2026-07-10.

Conditions:
TTN-related disorder. Also called: TTN-related condition; TTN-related disease; TTN-related disorders.

Allele frequency attached by ClinVar (database versions not stated): gnomAD 0.00001; TOPMed 0.00002.
gnomAD v4.1: 23 of 1,613,534 alleles (0.0014%); highest among the groups gnomAD compares: Middle Eastern, 0.016%; no homozygotes.

Submissions (2):

PreventionGenetics, part of Exact Sciences
Classification: Uncertain significance for TTN-related condition. Last evaluated: 2026-07-10. Review status: criteria provided, single submitter. Criteria: ACMG Guidelines, 2015. Collection method: clinical testing. Allele origin: germline.
Comment: The TTN c.16556C>T variant is predicted to result in the amino acid substitution p.Thr5519Met. To our knowledge, this variant has not been reported in the literature. This variant is reported in 0.0029% of alleles in individuals of Latino descent in gnomAD. At this time, the clinical significance of this variant is uncertain due to the absence of conclusive functional and genetic evidence.

Revvity Omics, Revvity
Classification: Uncertain significance. Last evaluated: 2022-03-10. Review status: criteria provided, single submitter. Criteria: ACMG Guidelines, 2015. Collection method: clinical testing. Allele origin: germline.